The following is an entry in ClinVar:

NM_001927.4(DES):c.1118A>C (p.Glu373Ala)

Gene: DES (desmin; plus strand). Cytogenetic location: 2q35.
Variant type: single nucleotide variant.
Coding change: c.1118A>C on transcript NM_001927.4 (MANE Select); coding-DNA position 1118, A replaced by C.
Protein change: p.Glu373Ala; replaces glutamic acid 373 with alanine.
Molecular consequence: missense variant. On other transcripts: intron variant (1).
Genome position (GRCh38, 1-based): chr2:219,421,434, A>C. VCF-style: chr2-219421434-A-C. GRCh37 (hg19) VCF-style: chr2-220286156-A-C.
Other names: c.1115A>C, p.Glu372Ala (NM_001382708.1); c.1049A>C, p.Glu350Ala (NM_001382710.1); c.1097A>C, p.Glu366Ala (NM_001382711.1); c.1118A>C, p.Glu373Ala (NM_001382712.1); c.848A>C, p.Glu283Ala (NM_001382713.1); c.736-50A>C (NM_001382709.1); short protein forms E366A, E372A, E283A, E350A, E373A.
Identifiers: ClinVar variation 2945813 (VCV002945813.3), dbSNP rs2545255063, ClinGen allele CA350694344.

ClinVar aggregate classification (germline): Uncertain significance (1 of 4 stars; one submission).

Conditions:
Desmin-related myofibrillar myopathy (MFM1). Also called: MYOFIBRILLAR MYOPATHY WITH ARRHYTHMOGENIC RIGHT VENTRICULAR CARDIOMYOPATHY; DESMIN-RELATED MYOPATHY WITH ARRHYTHMOGENIC RIGHT VENTRICULAR CARDIOMYOPATHY; Desminopathy; Desmin related myopathy (former name); Desmin storage myopathy (former name); Myofibrillar myopathy 1. Identifiers: Orphanet 363543, Orphanet 98909, MedGen C1832370, MONDO:0011076, OMIM 601419.

Allele frequency attached by ClinVar (database versions not stated): gnomAD exomes below 0.00001.

Submission:

Labcorp Genetics (formerly Invitae), Labcorp
Classification: Uncertain significance for Desmin-related myofibrillar myopathy. Last evaluated: 2025-11-17. Review status: criteria provided, single submitter. Criteria: Invitae Variant Classification Sherloc (09022015). Collection method: clinical testing. Allele origin: germline.
Comment: This sequence change replaces glutamic acid, which is acidic and polar, with alanine, which is neutral and non-polar, at codon 373 of the DES protein (p.Glu373Ala). This variant is not present in population databases (gnomAD no frequency). This variant has not been reported in the literature in individuals affected with DES-related conditions. ClinVar contains an entry for this variant (Variation ID: 2945813). Invitae Evidence Modeling of protein sequence and biophysical properties (such as structural, functional, and spatial information, amino acid conservation, physicochemical variation, residue mobility, and thermodynamic stability) has been performed for this missense variant. However, the output from this modeling did not meet the statistical confidence thresholds required to predict the impact of this variant on DES protein function. In summary, the available evidence is currently insufficient to determine the role of this variant in disease. Therefore, it has been classified as a Variant of Uncertain Significance.